The following is an entry in ClinVar:

ClinVar aggregate classification (germline): Conflicting classifications of pathogenicity. Review status: criteria provided, conflicting classifications (1 of 4 stars). 6 submissions from 6 submitters: Uncertain significance (5); Likely benign (1). Last evaluated 2026-04-26.

Conditions:
Basal cell nevus syndrome 1 (BCNS1). Also called: GORLIN-GOLTZ SYNDROME; MULTIPLE BASAL CELL NEVI, ODONTOGENIC KERATOCYSTS, AND SKELETAL ANOMALIES. Identifiers: MedGen CN376810, MONDO:0958174, OMIM 109400.
Hereditary cancer-predisposing syndrome. Also called: Tumor predisposition; Hereditary neoplastic syndrome; Hereditary Cancer Syndrome; Neoplastic Syndromes, Hereditary. Identifiers: Orphanet 140162, MedGen C0027672, MeSH D009386, MONDO:0015356.
Basal cell carcinoma, susceptibility to, 1. Also called: BCC1. Identifiers: MedGen C2751544, MONDO:0011556, OMIM 605462.
Gorlin syndrome. Also called: Basal cell nevus syndrome; Nevoid Basal Cell Carcinoma Syndrome. Identifiers: Orphanet 377, MedGen C0004779, MONDO:0007187.
PTCH1-related disorder. Also called: PTCH1-related disorders; PTCH1-related condition.

Allele frequency attached by ClinVar (database versions not stated): gnomAD 0.00001; gnomAD exomes 0.00001; TOPMed 0.00001.
gnomAD v4.1: 16 of 1,604,022 alleles (0.001%); highest among the groups gnomAD compares: East Asian, 0.0022%; no homozygotes.

Submissions (6):

PreventionGenetics, part of Exact Sciences
Classification: Uncertain significance for PTCH1-related condition. Last evaluated: 2026-04-26. Review status: criteria provided, single submitter. Criteria: ACMG Guidelines, 2015. Collection method: clinical testing. Allele origin: germline.
Comment: The PTCH1 c.3664G>A variant is predicted to result in the amino acid substitution p.Asp1222Asn. This variant has been observed in a cohort of individuals who met guidelines and were tested for hereditary cancer risk evaluation (reported as a variant of uncertain significance in Tables S4 and S5, Maxwell et al. 2016. PubMed ID: 27153395). This variant has not been reported in a large population database (gnomAD), indicating this variant is rare. At this time, the clinical significance of this variant is uncertain due to the absence of conclusive functional and genetic evidence.

Ambry Genetics
Classification: Likely benign for Hereditary cancer-predisposing syndrome. Last evaluated: 2026-04-07. Review status: criteria provided, single submitter. Criteria: Ambry Variant Classification Scheme 2023. Collection method: clinical testing. Allele origin: germline.

Labcorp Genetics (formerly Invitae), Labcorp
Classification: Uncertain significance for Gorlin syndrome. Last evaluated: 2025-10-03. Review status: criteria provided, single submitter. Criteria: Invitae Variant Classification Sherloc (09022015). Collection method: clinical testing. Allele origin: germline.
Comment: This sequence change replaces aspartic acid, which is acidic and polar, with asparagine, which is neutral and polar, at codon 1222 of the PTCH1 protein (p.Asp1222Asn). This variant is not present in population databases (gnomAD no frequency). This variant has not been reported in the literature in individuals affected with PTCH1-related conditions. ClinVar contains an entry for this variant (Variation ID: 663251). Invitae Evidence Modeling of protein sequence and biophysical properties (such as structural, functional, and spatial information, amino acid conservation, physicochemical variation, residue mobility, and thermodynamic stability) has been performed for this missense variant. However, the output from this modeling did not meet the statistical confidence thresholds required to predict the impact of this variant on PTCH1 protein function. In summary, the available evidence is currently insufficient to determine the role of this variant in disease. Therefore, it has been classified as a Variant of Uncertain Significance.

St. Jude Molecular Pathology, St. Jude Children's Research Hospital
Classification: Uncertain significance for Basal cell nevus syndrome 1. Last evaluated: 2024-03-13. Review status: criteria provided, single submitter. Criteria: St. Jude Assertion Criteria 2020. Collection method: clinical testing. Allele origin: germline.
Comment: The PTCH1 c.3664G>A (p.Asp1222Asn) missense change is absent in gnomAD v2.1.1. The in silico tool REVEL is inconclusive about a pathogenic or benign effect of this variant on protein function, and functional studies have not been performed. This variant has not been reported in individuals with nevoid basal cell carcinoma syndrome. In summary, the evidence currently available is insufficient to determine the clinical significance of this variant. It has therefore been classified as of uncertain significance.

Baylor Genetics
Classification: Uncertain significance for Basal cell carcinoma, susceptibility to, 1. Last evaluated: 2023-08-17. Review status: criteria provided, single submitter. Criteria: ACMG Guidelines, 2015. Collection method: clinical testing. Allele origin: unknown.

GeneDx
Classification: Uncertain significance. Last evaluated: 2023-06-22. Review status: criteria provided, single submitter. Criteria: GeneDx Variant Classification Process June 2021. Collection method: clinical testing. Allele origin: germline. Affected: yes.
Comment: Not observed at significant frequency in large population cohorts (gnomAD); In silico analysis supports that this missense variant does not alter protein structure/function; Observed in an individual with a personal and/or family history of breast and/or ovarian cancer (Maxwell et al., 2016); This variant is associated with the following publications: (PMID: 27153395)

Literature cited by the submitters: PubMed 27153395 (cited by Ambry Genetics).

NM_000264.5(PTCH1):c.3664G>A (p.Asp1222Asn)

Gene: PTCH1 (patched 1; minus strand). Cytogenetic location: 9q22.32.
Variant type: single nucleotide variant.
Coding change: c.3664G>A on transcript NM_000264.5 (MANE Select); coding-DNA position 3664, G replaced by A.
Protein change: p.Asp1222Asn; replaces aspartic acid 1222 with asparagine.
Molecular consequence: missense variant. On other transcripts: non-coding transcript variant (1).
Genome position (GRCh38, 1-based): chr9:95,449,209, C>T on the plus strand (G>A on the coding strand, the complement: PTCH1 is on the minus strand). VCF-style: chr9-95449209-C-T. GRCh37 (hg19) VCF-style: chr9-98211491-C-T.
Other names: c.3466G>A, p.Asp1156Asn (NM_001083602.3); c.3661G>A, p.Asp1221Asn (NM_001083603.3); c.3211G>A, p.Asp1071Asn (NM_001083604.3, NM_001083605.3, NM_001083606.3 and 1 more transcripts); c.3508G>A, p.Asp1170Asn (NM_001354918.2); short protein forms D1222N, D1071N, D1156N, D1170N, D1221N.
Identifiers: ClinVar variation 663251 (VCV000663251.18), dbSNP rs747181820, ClinGen allele CA16622047.
Genomic context (GRCh38, chr9:95,449,209, plus strand): 5'-CGTAGTGCCGAAGCTCCTCGCTGAGGCCTGACACTGTCGTCTGGGAACTATACTCCGAGT[C>T]GGAGGAATCAGACCCGCTGTGCGTGTGGCCGGGCGGCATGGCGAAGCGGACCACGCTGGG-3'
Protein context (NP_000255.2, residues 1212-1232): GHTHSGSDSS[Asp1222Asn]SEYSSQTTVS